The following is an entry in ClinVar:

NM_001613.4(ACTA2):c.147G>C (p.Met49Ile)

Gene: ACTA2 (actin alpha 2, smooth muscle; minus strand). Cytogenetic location: 10q23.31.
Variant type: single nucleotide variant.
Coding change: c.147G>C on transcript NM_001613.4 (MANE Select); coding-DNA position 147, G replaced by C.
Protein change: p.Met49Ile; replaces methionine 49 with isoleucine.
Molecular consequence: missense variant. On other transcripts: intron variant (3).
Genome position (GRCh38, 1-based): chr10:88,947,369, C>G on the plus strand (G>C on the coding strand, the complement: ACTA2 is on the minus strand). VCF-style: chr10-88947369-C-G. GRCh37 (hg19) VCF-style: chr10-90707126-C-G.
Other names: c.147G>C, p.Met49Ile (NM_001141945.3, NM_001320855.2, NM_001406462.1 and 4 more transcripts); c.129+1433G>C (NM_001406467.1, NM_001406468.1, NM_001406469.1); short protein forms M49I.
Identifiers: ClinVar variation 3263565 (VCV003263565.1).
Genomic context (GRCh38, chr10:88,947,369, plus strand): 5'-CAGGGTCAGGATTCCTCTTTTGCTCTGTGCTTCGTCACCCACGTAGCTGTCTTTTTGTCC[C>G]ATTCCCACCATCACCCCCTAAAAAGGTTCAACACATTATGAGTCAGCATCTCCCAAAACT-3'
Protein context (NP_001604.1, residues 39-59): RPRHQGVMVG[Met49Ile]GQKDSYVGDE

ClinVar aggregate classification (germline): Uncertain significance (1 of 4 stars; one submission).

Conditions:
Familial thoracic aortic aneurysm and aortic dissection (TAAD). Also called: Thoracic aortic aneurysms and dissections. Identifiers: Orphanet 91387, MedGen C4707243, MONDO:0019625.

Submission:

Ambry Genetics
Classification: Uncertain significance for Familial thoracic aortic aneurysm and aortic dissection. Last evaluated: 2024-04-05. Review status: criteria provided, single submitter. Criteria: Ambry Variant Classification Scheme 2023. Collection method: clinical testing. Allele origin: germline.
Comment: The p.M49I variant (also known as c.147G>C), located in coding exon 2 of the ACTA2 gene, results from a G to C substitution at nucleotide position 147. The methionine at codon 49 is replaced by isoleucine, an amino acid with highly similar properties. This amino acid position is highly conserved in available vertebrate species. In addition, this alteration is predicted to be deleterious by in silico analysis. Based on the available evidence, the clinical significance of this variant remains unclear.